The following is an entry in ClinVar:

NM_001142864.4(PIEZO1):c.1688C>T (p.Thr563Met)

Genes: HSALR1 (HSP90AB1 associated lncRNA 1; plus strand), PIEZO1 (piezo type mechanosensitive ion channel component 1 (Er blood group); minus strand). Cytogenetic location: 16q24.3.
Variant type: single nucleotide variant.
Coding change: c.1688C>T on transcript NM_001142864.4 (MANE Select); coding-DNA position 1688, C replaced by T.
Protein change: p.Thr563Met; replaces threonine 563 with methionine.
Molecular consequence: missense variant.
Genome position (GRCh38, 1-based): chr16:88,735,035, G>A on the plus strand (C>T on the coding strand, the complement: PIEZO1 is on the minus strand). VCF-style: chr16-88735035-G-A. GRCh37 (hg19) VCF-style: chr16-88801443-G-A.
Other names: p.Thr563Met; short protein forms T563M.
Identifiers: ClinVar variation 724917 (VCV000724917.37), dbSNP rs192347853, ClinGen allele CA8232929.

ClinVar aggregate classification (germline): Conflicting classifications of pathogenicity. Review status: criteria provided, conflicting classifications (1 of 4 stars). 7 submissions from 7 submitters: Uncertain significance (5); Likely benign (1). 1 of the submissions does not count toward it. Last evaluated 2025-07-07.

Conditions:
PIEZO1-related disorder. Also called: PIEZO1-Related Disorders; PIEZO1-related condition.
Inborn genetic diseases. Identifiers: MedGen C0950123, MeSH D030342.

Allele frequency attached by ClinVar (database versions not stated): 1000 Genomes Project 0.00040; 1000 Genomes Project 30x 0.00047; gnomAD 0.00067 and 0.00070; TOPMed 0.00071; gnomAD exomes 0.00082; ExAC 0.00084; ESP Exome Variant Server 0.00088.
gnomAD v4.1: 1,587 of 1,550,412 alleles (0.1%); highest among the groups gnomAD compares: Non-Finnish European, 0.12%; 2 homozygotes.

Submissions (7):

ARUP Laboratories, Molecular Genetics and Genomics, ARUP Laboratories
Classification: Uncertain significance. Last evaluated: 2025-07-07. Review status: criteria provided, single submitter. Criteria: ARUP Molecular Germline Variant Investigation Process 2024. Collection method: clinical testing. Allele origin: germline.
Comment: The PIEZO1 c.1688C>T; p.Thr563Met variant (rs192347853), to our knowledge, is not reported in the medical literature but is reported in ClinVar (Variation ID: 724917). This variant is observed in the general population with an overall allele frequency of 0.08% (141/187022 alleles) in the Genome Aggregation Database. Computational analyses are uncertain whether this variant is neutral or deleterious (REVEL: 0.151). Due to limited information, the clinical significance of this variant is uncertain at this time.

Mayo Clinic Laboratories, Mayo Clinic
Classification: Uncertain significance. Last evaluated: 2025-02-04. Review status: criteria provided, single submitter. Criteria: ACMG Guidelines, 2015. Collection method: clinical testing. Allele origin: germline. Observed: 5 variant alleles.
Comment: BP4_strong

Labcorp Genetics (formerly Invitae), Labcorp
Classification: Likely benign. Last evaluated: 2024-10-26. Review status: criteria provided, single submitter. Criteria: Invitae Variant Classification Sherloc (09022015). Collection method: clinical testing. Allele origin: germline.

CeGaT Center for Human Genetics Tuebingen
Classification: Uncertain significance. Last evaluated: 2024-04-01. Review status: criteria provided, single submitter. Criteria: CeGaT Center For Human Genetics Tuebingen Variant Classification Criteria Version 2. Collection method: clinical testing. Allele origin: germline. Affected: yes. Observed: 1 variant allele.
Comment: PIEZO1: PM2, BP4

Ambry Genetics
Classification: Uncertain significance for Inborn genetic diseases. Last evaluated: 2024-01-24. Review status: criteria provided, single submitter. Criteria: Ambry Variant Classification Scheme 2023. Collection method: clinical testing. Allele origin: germline.

GeneDx
Classification: Uncertain significance. Last evaluated: 2021-03-02. Review status: criteria provided, single submitter. Criteria: GeneDx Variant Classification Process June 2021. Collection method: clinical testing. Allele origin: germline. Affected: yes.
Comment: In silico analysis supports that this missense variant does not alter protein structure/function; Has not been previously published as pathogenic or benign to our knowledge

PreventionGenetics, part of Exact Sciences
Classification: Likely benign for PIEZO1-related condition. Last evaluated: 2022-06-30. Review status: no assertion criteria provided. Collection method: clinical testing. Allele origin: germline. Not counted in ClinVar's aggregate classification.
Comment: This variant is classified as likely benign based on ACMG/AMP sequence variant interpretation guidelines (Richards et al. 2015 PMID: 25741868, with internal and published modifications).